The following is an entry in ClinVar:

ClinVar aggregate classification (germline): Uncertain significance (1 of 4 stars; one submission).

Conditions:
Neuroblastoma, susceptibility to, 3. Also called: ALK-Related Neuroblastic Tumor Susceptibility. Identifiers: Orphanet 635, MedGen C2751681, MONDO:0013083, OMIM 613014.

Submission:

Labcorp Genetics (formerly Invitae), Labcorp
Classification: Uncertain significance for Neuroblastoma, susceptibility to, 3. Last evaluated: 2025-08-19. Review status: criteria provided, single submitter. Criteria: Invitae Variant Classification Sherloc (09022015). Collection method: clinical testing. Allele origin: germline.
Comment: This sequence change creates a premature translational stop signal (p.Gly1202Glufs*56) in the ALK gene. It is expected to result in an absent or disrupted protein product. However, the current clinical and genetic evidence is not sufficient to establish whether loss-of-function variants in ALK cause disease. This variant is not present in population databases (gnomAD no frequency). This premature translational stop signal has been observed in individual(s) with medulloblastoma (PMID: 22810114). In summary, the available evidence is currently insufficient to determine the role of this variant in disease. Therefore, it has been classified as a Variant of Uncertain Significance.

Literature cited by the submitters: PubMed 22810114.

NM_004304.5(ALK):c.3605del (p.Gly1202fs)

Gene: ALK (ALK receptor tyrosine kinase; minus strand). Cytogenetic location: 2p23.2.
Variant type: Deletion.
Coding change: c.3605del on transcript NM_004304.5 (MANE Select); coding-DNA position 3605, one base deleted (G; older notation c.3605delG).
Protein change: p.Gly1202fs; shifts the reading frame from glycine 1202.
Molecular consequence: frameshift variant.
Genome position (GRCh38, 1-based): chr2:29,220,746, C deleted on the plus strand (G on the coding strand, the reverse complement: ALK is on the minus strand); the first of 6 consecutive C bases (chr2:29,220,746-29,220,751); deleting any one gives the same sequence. VCF-style (leftmost placement, unchanged base first): chr2-29220745-TC-T. GRCh37 (hg19) VCF-style: chr2-29443611-TC-T.
Other names: c.401del, p.Gly134fs (NM_001353765.2); short protein forms G1202fs, G134fs.
Identifiers: ClinVar variation 4746952 (VCV004746952.1).